The following is an entry in ClinVar:

ClinVar aggregate classification (germline): Uncertain significance (1 of 4 stars; one submission).

Submission:

Labcorp Genetics (formerly Invitae), Labcorp
Classification: Uncertain significance. Last evaluated: 2020-02-26. Review status: criteria provided, single submitter. Criteria: Invitae Variant Classification Sherloc (09022015). Collection method: clinical testing. Allele origin: germline.
Comment: This variant has not been reported in the literature in individuals with EYS-related conditions. Algorithms developed to predict the effect of missense changes on protein structure and function (SIFT, PolyPhen-2, Align-GVGD) all suggest that this variant is likely to be tolerated, but these predictions have not been confirmed by published functional studies and their clinical significance is uncertain. In summary, the available evidence is currently insufficient to determine the role of this variant in disease. Therefore, it has been classified as a Variant of Uncertain Significance. This variant is not present in population databases (ExAC no frequency). This sequence change replaces lysine with isoleucine at codon 2811 of the EYS protein (p.Lys2811Ile). The lysine residue is moderately conserved and there is a moderate physicochemical difference between lysine and isoleucine.

NM_001142800.2(EYS):c.8432A>T (p.Lys2811Ile)

Genes: EYS (EGF-like photoreceptor maintenance factor; minus strand), PHF3 (PHD finger protein 3; plus strand). Cytogenetic location: 6q12.
Variant type: single nucleotide variant.
Coding change: c.8432A>T on transcript NM_001142800.2 (MANE Select); coding-DNA position 8432, A replaced by T.
Protein change: p.Lys2811Ile; replaces lysine 2811 with isoleucine.
Molecular consequence: missense variant. On other transcripts: 3 prime UTR variant (5).
Genome position (GRCh38, 1-based): chr6:63,721,599, T>A on the plus strand (A>T on the coding strand, the complement: EYS is on the minus strand). VCF-style: chr6-63721599-T-A. GRCh37 (hg19) VCF-style: chr6-64431495-T-A.
Other names: c.*7891T>A (NM_001290259.2, NM_001370348.2, NM_001370349.2 and 2 more transcripts); c.8495A>T, p.Lys2832Ile (NM_001292009.2); short protein forms K2811I, K2832I.
Identifiers: ClinVar variation 1016022 (VCV001016022.9), dbSNP rs1768393512, ClinGen allele CA364384872.